The following is an entry in ClinVar:

ClinVar aggregate classification (germline): Uncertain significance (1 of 4 stars; one submission).

gnomAD v4.1: 1 of 1,236,008 alleles (0.000081%); highest among the groups gnomAD compares: Non-Finnish European, 0.0001%; no homozygotes.

Submission:

Ambry Genetics
Classification: Uncertain significance. Last evaluated: 2025-08-20. Review status: criteria provided, single submitter. Criteria: Ambry Variant Classification Scheme 2023. Collection method: clinical testing. Allele origin: germline.
Comment: The p.A107D variant (also known as c.320C>A), located in coding exon 1 of the WNK2 gene, results from a C to A substitution at nucleotide position 320. The alanine at codon 107 is replaced by aspartic acid, an amino acid with dissimilar properties. This amino acid position is conserved. In addition, this alteration is predicted to be tolerated by in silico analysis. Based on the available evidence, the clinical significance of this variant remains unclear.

NM_006648.4(WNK2):c.320C>A (p.Ala107Asp)

Gene: WNK2 (WNK lysine deficient protein kinase 2; plus strand). Cytogenetic location: 9q22.31.
Variant type: single nucleotide variant.
Coding change: c.320C>A on transcript NM_006648.4 (MANE Select); coding-DNA position 320, C replaced by A.
Protein change: p.Ala107Asp; replaces alanine 107 with aspartic acid.
Molecular consequence: missense variant.
Genome position (GRCh38, 1-based): chr9:93,185,249, C>A. VCF-style: chr9-93185249-C-A. GRCh37 (hg19) VCF-style: chr9-95947531-C-A.
Other names: c.320C>A, p.Ala107Asp (NM_001282394.3); short protein forms A107D.
Identifiers: ClinVar variation 4201781 (VCV004201781.1).